The following is an entry in ClinVar:

NM_004793.4(LONP1):c.134C>T (p.Thr45Ile)

Gene: LONP1 (lon peptidase 1, mitochondrial; minus strand). Cytogenetic location: 19p13.3.
Variant type: single nucleotide variant.
Coding change: c.134C>T on transcript NM_004793.4 (MANE Select); coding-DNA position 134, C replaced by T.
Protein change: p.Thr45Ile; replaces threonine 45 with isoleucine.
Molecular consequence: missense variant. On other transcripts: intron variant (2).
Genome position (GRCh38, 1-based): chr19:5,719,999, G>A on the plus strand (C>T on the coding strand, the complement: LONP1 is on the minus strand). VCF-style: chr19-5719999-G-A. GRCh37 (hg19) VCF-style: chr19-5720010-G-A.
Other names: c.-160+220C>T (NM_001276480.1); c.124+10C>T (NM_001276479.2); short protein forms T45I.
Identifiers: ClinVar variation 3662958 (VCV003662958.2).

ClinVar aggregate classification (germline): Uncertain significance (1 of 4 stars; one submission).

gnomAD v4.1: 1 of 1,579,346 alleles (0.000063%); highest among the groups gnomAD compares: Non-Finnish European, 0.000086%; no homozygotes.

Submission:

Labcorp Genetics (formerly Invitae), Labcorp
Classification: Uncertain significance. Last evaluated: 2024-10-24. Review status: criteria provided, single submitter. Criteria: Invitae Variant Classification Sherloc (09022015). Collection method: clinical testing. Allele origin: germline.
Comment: This sequence change replaces threonine, which is neutral and polar, with isoleucine, which is neutral and non-polar, at codon 45 of the LONP1 protein (p.Thr45Ile). This variant is not present in population databases (gnomAD no frequency). This variant has not been reported in the literature in individuals affected with LONP1-related conditions. Invitae Evidence Modeling of protein sequence and biophysical properties (such as structural, functional, and spatial information, amino acid conservation, physicochemical variation, residue mobility, and thermodynamic stability) indicates that this missense variant is not expected to disrupt LONP1 protein function with a negative predictive value of 95%. In summary, the available evidence is currently insufficient to determine the role of this variant in disease. Therefore, it has been classified as a Variant of Uncertain Significance.